The following is an entry in ClinVar:

ClinVar aggregate classification (germline): Uncertain significance (1 of 4 stars; one submission).

Submission:

Labcorp Genetics (formerly Invitae), Labcorp
Classification: Uncertain significance. Last evaluated: 2023-04-27. Review status: criteria provided, single submitter. Criteria: Invitae Variant Classification Sherloc (09022015). Collection method: clinical testing. Allele origin: germline.
Comment: Experimental studies and prediction algorithms are not available or were not evaluated, and the functional significance of this variant is currently unknown. In summary, the available evidence is currently insufficient to determine the role of this variant in disease. Therefore, it has been classified as a Variant of Uncertain Significance. This variant has not been reported in the literature in individuals affected with MSH3-related conditions. This variant results in a copy number gain of the genomic region encompassing exon(s) 9-20 of the MSH3 gene. While the exact position of this variant cannot be determined from the data, sub-genic copy number gains are generally in tandem (PMID: 25640679). This variant is predicted to be in-frame, and likely preserves the integrity of the reading frame.

Literature cited by the submitters: PubMed 25640679.

NC_000005.10:g.(?_80725443)_(80813751_?)dup

Gene: MSH3 (mutS homolog 3; plus strand). Cytogenetic location: 5q14.1.
Variant type: Duplication.
Identifiers: ClinVar variation 833023 (VCV000833023.6).